The following is an entry in ClinVar:

ClinVar aggregate classification (germline): Uncertain significance (1 of 4 stars; one submission).

Submission:

Women's Health and Genetics/Laboratory Corporation of America, LabCorp
Classification: Uncertain significance. Last evaluated: 2026-04-06. Review status: criteria provided, single submitter. Criteria: LabCorp Variant Classification Summary - May 2015. Collection method: clinical testing. Allele origin: germline.
Comment: Variant summary: SPTBN1 c.3653T>C (p.Met1218Thr) results in a non-conservative amino acid change in the encoded protein sequence. Algorithms developed to predict the effect of missense changes on protein structure and function are either unavailable or do not agree on the potential impact of this missense change. The variant was absent in 251476 control chromosomes. The available data on variant occurrences in the general population are insufficient to allow any conclusion about variant significance. To our knowledge, no occurrence of c.3653T>C in individuals affected with SPTBN1-related conditions and no experimental evidence demonstrating its impact on protein function have been reported. No submitters have cited clinical-significance assessments for this variant to ClinVar. Based on the evidence outlined above, the variant was classified as uncertain significance.

NM_003128.3(SPTBN1):c.3653T>C (p.Met1218Thr)

Gene: SPTBN1 (spectrin beta, non-erythrocytic 1; plus strand). Cytogenetic location: 2p16.2.
Variant type: single nucleotide variant.
Coding change: c.3653T>C on transcript NM_003128.3 (MANE Select); coding-DNA position 3653, T replaced by C.
Protein change: p.Met1218Thr; replaces methionine 1218 with threonine.
Molecular consequence: missense variant.
Genome position (GRCh38, 1-based): chr2:54,632,654, T>C. VCF-style: chr2-54632654-T-C. GRCh37 (hg19) VCF-style: chr2-54859791-T-C.
Other names: c.3614T>C, p.Met1205Thr (NM_178313.3); short protein forms M1205T, M1218T.
Identifiers: ClinVar variation 4848867 (VCV004848867.1).